The following is an entry in ClinVar:

NM_001009944.3(PKD1):c.4462T>C (p.Ser1488Pro)

Gene: PKD1 (polycystin 1, transient receptor potential channel interacting; minus strand). Cytogenetic location: 16p13.3.
Variant type: single nucleotide variant.
Coding change: c.4462T>C on transcript NM_001009944.3 (MANE Select); coding-DNA position 4462, T replaced by C.
Protein change: p.Ser1488Pro; replaces serine 1488 with proline.
Molecular consequence: missense variant.
Genome position (GRCh38, 1-based): chr16:2,110,705, A>G on the plus strand (T>C on the coding strand, the complement: PKD1 is on the minus strand). VCF-style: chr16-2110705-A-G. GRCh37 (hg19) VCF-style: chr16-2160706-A-G.
Other names: c.4462T>C, p.Ser1488Pro (NM_000296.4); short protein forms S1488P.
Identifiers: ClinVar variation 1303905 (VCV001303905.4), dbSNP rs773746552, ClinGen allele CA394379901.
Genomic context (GRCh38, chr16:2,110,705, plus strand): 5'-GCCACCCACCGTCCCCCAGATCCCACAGGTAGCTGGCGGGGCGCCCACGGCCCACAGCAG[A>G]GAACAGGTACGGCTGCTGCAGCTCCAGCCCAAGGGAGCCATTGACCTTGATGCTGGTGAC-3'
Protein context (NP_001009944.3, residues 1478-1498): GLELQQPYLF[Ser1488Pro]AVGRGRPASY

ClinVar aggregate classification (germline): Conflicting classifications of pathogenicity. Review status: criteria provided, conflicting classifications (1 of 4 stars). 3 submissions from 3 submitters: Likely pathogenic (1); Uncertain significance (2). Last evaluated 2026-03-09.

Conditions:
Polycystic kidney disease, adult type (PKD1). Also called: Polycystic Kidney Disease 1, Autosomal Dominant; Polycystic kidney disease 1; Polycystic kidney disease 1, severe; POLYCYSTIC KIDNEY DISEASE, ADULT, TYPE I; Polycystic Kidney, Autosomal Dominant; POLYCYSTIC KIDNEY DISEASE 1 WITH OR WITHOUT POLYCYSTIC LIVER DISEASE. Identifiers: MedGen C3149841, MONDO:0008263, OMIM 173900.

Submissions (3):

Women's Health and Genetics/Laboratory Corporation of America, LabCorp
Classification: Uncertain significance. Last evaluated: 2026-03-09. Review status: criteria provided, single submitter. Criteria: LabCorp Variant Classification Summary - May 2015. Collection method: clinical testing. Allele origin: germline.
Comment: Variant summary: PKD1 c.4462T>C (p.Ser1488Pro) results in a non-conservative amino acid change in the encoded protein sequence. Algorithms developed to predict the effect of missense changes on protein structure and function are either unavailable or do not agree on the potential impact of this missense change. The variant was absent in 239962 control chromosomes (gnomAD). The available data on variant occurrences in the general population are insufficient to allow any conclusion about variant significance. c.4462T>C has been observed in at least one individual affected with autosomal dominant Polycystic Kidney Disease (example: Cornec-Le Gall_2016). These data do not allow any conclusion about variant significance. To our knowledge, no experimental evidence demonstrating an impact on protein function has been reported. The following publication has been ascertained in the context of this evaluation (PMID: 26150605). ClinVar contains an entry for this variant (Variation ID: 1303905). Based on the evidence outlined above, the variant was classified as uncertain significance.

Fulgent Genetics
Classification: Likely pathogenic for Polycystic kidney disease, adult type. Last evaluated: 2024-03-12. Review status: criteria provided, single submitter. Criteria: ACMG Guidelines, 2015. Collection method: clinical testing. Allele origin: germline.

GeneDx
Classification: Uncertain significance. Last evaluated: 2021-04-07. Review status: criteria provided, single submitter. Criteria: GeneDx Variant Classification Process June 2021. Collection method: clinical testing. Allele origin: germline. Affected: yes.
Comment: Not observed in large population cohorts (Lek et al., 2016); In silico analysis supports that this missense variant has a deleterious effect on protein structure/function; This variant is associated with the following publications: (PMID: 26150605)

Literature cited by the submitters: PubMed 26150605 (cited by Women's Health and Genetics/Laboratory Corporation of America, LabCorp).